The following is an entry in ClinVar:

ClinVar aggregate classification (germline): Uncertain significance. Review status: criteria provided, multiple submitters, no conflicts (2 of 4 stars). 5 submissions from 5 submitters: Uncertain significance (2). 3 of the submissions do not count toward it. Last evaluated 2023-08-03.

Conditions:
Corneal dystrophy, Fuchs endothelial, 8 (FECD8). Identifiers: Orphanet 98974, MedGen C3809798, MONDO:0014228, OMIM 615523.
Fuchs' endothelial dystrophy. Also called: Fuchs endothelial corneal dystrophy. Identifiers: Orphanet 98974, MedGen C0016781, MONDO:0005321.
AGBL1-related disorder. Also called: AGBL1-related condition.

Allele frequency attached by ClinVar (database versions not stated): ExAC 0.00175; gnomAD exomes 0.00179; gnomAD 0.00191 and 0.00200; TOPMed 0.00223; 1000 Genomes Project 30x 0.00141; 1000 Genomes Project 0.00160; ESP Exome Variant Server 0.00262.
gnomAD v4.1: 3,795 of 1,603,274 alleles (0.24%); highest among the groups gnomAD compares: Non-Finnish European, 0.27%; 8 homozygotes.

Submissions (5):

Mendelics
Classification: Uncertain significance for Corneal dystrophy, Fuchs endothelial, 8. Last evaluated: 2023-08-03. Review status: criteria provided, single submitter. Criteria: Mendelics Assertion Criteria 2019. Collection method: clinical testing. Allele origin: germline.

Department of Pathology and Laboratory Medicine, Sinai Health System
Classification: Uncertain significance for Fuchs' endothelial dystrophy. Last evaluated: 2023-04-26. Review status: criteria provided, single submitter. Criteria: ACMG Guidelines, 2015. Collection method: research. Allele origin: germline.

PreventionGenetics, part of Exact Sciences
Classification: Uncertain significance for AGBL1-related condition. Last evaluated: 2024-07-04. Review status: no assertion criteria provided. Collection method: clinical testing. Allele origin: germline. Not counted in ClinVar's aggregate classification.
Comment: The AGBL1 c.3220C>T variant is predicted to result in premature protein termination (p.Arg1074*). This variant has been reported in individuals with late-onset Fuchs corneal dystrophy (reported as c.3082C>T [p.Arg1028*] in Riazuddin et al. 2013. PubMed ID: 24094747; Zhang et al. 2019. PubMed ID: 31555324). However, in the Riazuddin et al. study, the variant did not entirely segregate with disease in a large pedigree. This variant is documented to occur globally in 0.18% of alleles and up to 0.92% of alleles in individuals of Ashkenazi Jewish descent in gnomAD, which is more frequent than expected for a pathogenic variant. Additionally, loss of function variants including nonsense variants are predicted to be highly tolerated by the ExAC loss of function calculations (Lek et al. 2016. PubMed ID: 27535533). Given the conflicting evidence, the clinical significance of this variant is uncertain due to the absence of conclusive functional and genetic evidence.

Reproductive Health Research and Development, BGI Genomics
Classification: Uncertain significance for Corneal dystrophy, Fuchs endothelial, 8. Last evaluated: 2020-01-06. Review status: no assertion criteria provided. Collection method: curation. Allele origin: germline. Not counted in ClinVar's aggregate classification.
Comment: NM_152336.2:c.3082C>T in the AGBL1 gene has an allele frequency of 0.009 in Ashkenazi Jewish subpopulation in the gnomAD database. This variant has been detected in a family with late-onset fuchs corneal dystrophy, and segregated with an FCD haplotype in the family (PMID: 24094747). However, loss-of-function variants of the AGBL1 gene are common in gnomAD, which is unusual for AD inheritance manner. The current clinical and genetic evidence is not sufficient to establish whether loss-of-function variants in AGBL1 cause disease. We interpret it as variant of uncertain significance (VUS). ACMG/AMP criteria applied: PP1, PP4, BS1.

OMIM
Classification: Pathogenic for CORNEAL DYSTROPHY, FUCHS ENDOTHELIAL, 8. Last evaluated: 2013-10-03. Review status: no assertion criteria provided. Collection method: literature only. Allele origin: germline. Not counted in ClinVar's aggregate classification.

Literature cited by the submitters: PubMed 24094747 (cited by OMIM).

NM_001386094.1(AGBL1):c.3157C>T (p.Arg1053Trp)

Gene: AGBL1 (AGBL carboxypeptidase 1; plus strand). Cytogenetic location: 15q25.3.
Variant type: single nucleotide variant.
Coding change: c.3157C>T on transcript NM_001386094.1 (MANE Select); coding-DNA position 3157, C replaced by T.
Protein change: p.Arg1053Trp; replaces arginine 1053 with tryptophan.
Molecular consequence: missense variant. On other transcripts: nonsense (1).
Genome position (GRCh38, 1-based): chr15:86,674,435, C>T. VCF-style: chr15-86674435-C-T. GRCh37 (hg19) VCF-style: chr15-87217666-C-T.
Other names: R1028*; c.3220C>T, p.Arg1074Ter (NM_152336.4); short protein forms R1074*, R1053W.
Identifiers: ClinVar variation 88757 (VCV000088757.9), dbSNP rs185919705, ClinGen allele CA145337.